The following is an entry in ClinVar:

ClinVar aggregate classification (germline): Likely benign. Review status: criteria provided, single submitter (1 of 4 stars). 2 submissions from 2 submitters: Likely benign (1). 1 of the submissions does not count toward it. Last evaluated 2022-01-03.

Conditions:
Inborn genetic diseases. Identifiers: MedGen C0950123, MeSH D030342.
HS2ST1-related disorder. Also called: HS2ST1-related condition.

Allele frequency attached by ClinVar (database versions not stated): gnomAD exomes 0.00006; ExAC 0.00027; 1000 Genomes Project 0.00060; 1000 Genomes Project 30x 0.00062; TOPMed 0.00062; gnomAD 0.00064; ESP Exome Variant Server 0.00100.
gnomAD v4.1: 188 of 1,613,996 alleles (0.012%); highest among the groups gnomAD compares: African/African-American, 0.21%; 1 homozygote.

Submissions (2):

Ambry Genetics
Classification: Likely benign for Inborn genetic diseases. Last evaluated: 2022-01-03. Review status: criteria provided, single submitter. Criteria: Ambry Variant Classification Scheme 2023. Collection method: clinical testing. Allele origin: germline.

PreventionGenetics, part of Exact Sciences
Classification: Likely benign for HS2ST1-related condition. Last evaluated: 2023-03-10. Review status: no assertion criteria provided. Collection method: clinical testing. Allele origin: germline. Not counted in ClinVar's aggregate classification.
Comment: This variant is classified as likely benign based on ACMG/AMP sequence variant interpretation guidelines (Richards et al. 2015 PMID: 25741868, with internal and published modifications).

NM_012262.4(HS2ST1):c.197C>T (p.Ala66Val)

Gene: HS2ST1 (heparan sulfate 2-O-sulfotransferase 1; plus strand). Cytogenetic location: 1p22.3.
Variant type: single nucleotide variant.
Coding change: c.197C>T on transcript NM_012262.4 (MANE Select); coding-DNA position 197, C replaced by T.
Protein change: p.Ala66Val; replaces alanine 66 with valine.
Molecular consequence: missense variant.
Genome position (GRCh38, 1-based): chr1:87,073,006, C>T. VCF-style: chr1-87073006-C-T. GRCh37 (hg19) VCF-style: chr1-87538689-C-T.
Other names: c.197C>T, p.Ala66Val (NM_001134492.2); short protein forms A66V.
Identifiers: ClinVar variation 2269019 (VCV002269019.4), dbSNP rs139223877, ClinGen allele CA936755.